The following is an entry in ClinVar:

NM_016222.4(DDX41):c.202A>G (p.Ser68Gly)

Gene: DDX41 (DEAD-box helicase 41; minus strand). Cytogenetic location: 5q35.3.
Variant type: single nucleotide variant.
Coding change: c.202A>G on transcript NM_016222.4 (MANE Select); coding-DNA position 202, A replaced by G.
Protein change: p.Ser68Gly; replaces serine 68 with glycine.
Molecular consequence: missense variant. On other transcripts: 5 prime UTR variant (2).
Genome position (GRCh38, 1-based): chr5:177,516,384, T>C on the plus strand (A>G on the coding strand, the complement: DDX41 is on the minus strand). VCF-style: chr5-177516384-T-C. GRCh37 (hg19) VCF-style: chr5-176943385-T-C.
Other names: c.-177A>G (NM_001321732.2, NM_001321830.2); short protein forms S68G.
Identifiers: ClinVar variation 3500545 (VCV003500545.1).
Genomic context (GRCh38, chr5:177,516,384, plus strand): 5'-GGAGGCTGACGTTGGACTGAGGGCCTAGCGGGATGTCGTCCTCATCTCCCCGGGGTTCAC[T>C]ACCGCTGTCCTGCTGCTCTTCCTCCGCAGCTCCCTTGCGTCTTCGCTGCAGCAGCTTCTG-3'
Protein context (NP_057306.2, residues 58-78): AAEEEQQDSG[Ser68Gly]EPRGDEDDIP

ClinVar aggregate classification (germline): Uncertain significance (1 of 4 stars; one submission).

Conditions:
Inborn genetic diseases. Identifiers: MedGen C0950123, MeSH D030342.

gnomAD v4.1: 2 of 1,612,844 alleles (0.00012%); highest among the groups gnomAD compares: Non-Finnish European, 0.00017%; no homozygotes.

Submission:

Ambry Genetics
Classification: Uncertain significance for Inborn genetic diseases. Last evaluated: 2024-12-04. Review status: criteria provided, single submitter. Criteria: Ambry Variant Classification Scheme 2023. Collection method: clinical testing. Allele origin: germline.
Comment: The p.S68G variant (also known as c.202A>G), located in coding exon 3 of the DDX41 gene, results from an A to G substitution at nucleotide position 202. The serine at codon 68 is replaced by glycine, an amino acid with similar properties. This amino acid position is conserved. In addition, this alteration is predicted to be tolerated by in silico analysis. Based on the available evidence, the clinical significance of this variant remains unclear.